The following is an entry in ClinVar:

NM_002485.5(NBN):c.1844C>T (p.Ser615Phe)

Gene: NBN (nibrin; minus strand). Cytogenetic location: 8q21.3.
Variant type: single nucleotide variant.
Coding change: c.1844C>T on transcript NM_002485.5 (MANE Select); coding-DNA position 1844, C replaced by T.
Protein change: p.Ser615Phe; replaces serine 615 with phenylalanine.
Molecular consequence: missense variant.
Genome position (GRCh38, 1-based): chr8:89,953,245, G>A on the plus strand (C>T on the coding strand, the complement: NBN is on the minus strand). VCF-style: chr8-89953245-G-A. GRCh37 (hg19) VCF-style: chr8-90965473-G-A.
Other names: c.1598C>T, p.Ser533Phe (NM_001024688.3); short protein forms S533F, S615F.
Identifiers: ClinVar variation 837776 (VCV000837776.11), dbSNP rs1810520002, ClinGen allele CA371654961.
Genomic context (GRCh38, chr8:89,953,245, plus strand): 5'-GTACCTGTTAGCATTCTAAGCTTCTATGTACTATACCTCTCATTTAAAATGTTACTTACA[G>A]ATATTTTGCTACTTTCTGGTACTGCTTCATCACTGAAAGTGTCATTTGTTTCTATATCCA-3'
Protein context (NP_002476.2, residues 605-625): DEAVPESSKI[Ser615Phe]QENEIGKKRE

ClinVar aggregate classification (germline): Uncertain significance. Review status: criteria provided, multiple submitters, no conflicts (2 of 4 stars). 4 submissions from 4 submitters: Uncertain significance (3). 1 of the submissions does not count toward it. Last evaluated 2024-05-20.

Conditions:
Aplastic anemia. Identifiers: Orphanet 182040, Orphanet 88, MedGen C0002874, MONDO:0015909, OMIM 609135, HP:0001915.
Microcephaly, normal intelligence and immunodeficiency (NBS). Also called: Ataxia telangiectasia variant V1; Nijmegen breakage syndrome; Immunodeficiency, microcephaly with normal intelligence; IMMUNODEFICIENCY, MICROCEPHALY, AND CHROMOSOMAL INSTABILITY; SEEMANOVA SYNDROME II; BERLIN BREAKAGE SYNDROME. Identifiers: Orphanet 647, MedGen C0398791, MONDO:0009623, OMIM 251260.
Hereditary cancer-predisposing syndrome. Also called: Neoplastic Syndromes, Hereditary; Hereditary neoplastic syndrome; Tumor predisposition; Hereditary Cancer Syndrome. Identifiers: Orphanet 140162, MedGen C0027672, MeSH D009386, MONDO:0015356.

Submissions (4):

Labcorp Genetics (formerly Invitae), Labcorp
Classification: Uncertain significance for Microcephaly, normal intelligence and immunodeficiency. Last evaluated: 2024-05-20. Review status: criteria provided, single submitter. Criteria: Invitae Variant Classification Sherloc (09022015). Collection method: clinical testing. Allele origin: germline.
Comment: This sequence change replaces serine, which is neutral and polar, with phenylalanine, which is neutral and non-polar, at codon 615 of the NBN protein (p.Ser615Phe). This variant is not present in population databases (gnomAD no frequency). This variant has not been reported in the literature in individuals affected with NBN-related conditions. ClinVar contains an entry for this variant (Variation ID: 837776). An algorithm developed to predict the effect of missense changes on protein structure and function (PolyPhen-2) suggests that this variant is likely to be tolerated. In summary, the available evidence is currently insufficient to determine the role of this variant in disease. Therefore, it has been classified as a Variant of Uncertain Significance.

Baylor Genetics
Classification: Uncertain significance for Aplastic anemia. Last evaluated: 2024-03-21. Review status: criteria provided, single submitter. Criteria: ACMG Guidelines, 2015. Collection method: clinical testing. Allele origin: unknown.

Ambry Genetics
Classification: Uncertain significance for Hereditary cancer-predisposing syndrome. Last evaluated: 2023-09-23. Review status: criteria provided, single submitter. Criteria: Ambry Variant Classification Scheme 2023. Collection method: clinical testing. Allele origin: germline.
Comment: The p.S615F variant (also known as c.1844C>T), located in coding exon 11 of the NBN gene, results from a C to T substitution at nucleotide position 1844. The serine at codon 615 is replaced by phenylalanine, an amino acid with highly dissimilar properties. This amino acid position is conserved. In addition, this alteration is predicted to be tolerated by in silico analysis. Since supporting evidence is limited at this time, the clinical significance of this alteration remains unclear.

Natera, Inc.
Classification: Uncertain significance for Nijmegen breakage syndrome. Last evaluated: 2020-01-24. Review status: no assertion criteria provided. Collection method: clinical testing. Allele origin: germline. Not counted in ClinVar's aggregate classification.